The following is an entry in ClinVar:

ClinVar aggregate classification (germline): Uncertain significance (1 of 4 stars; one submission).

Conditions:
Inborn genetic diseases. Identifiers: MedGen C0950123, MeSH D030342.

gnomAD v4.1: 4 of 1,614,052 alleles (0.00025%); highest among the groups gnomAD compares: Non-Finnish European, 0.00034%; no homozygotes.

Submission:

Ambry Genetics
Classification: Uncertain significance for Inborn genetic diseases. Last evaluated: 2025-04-18. Review status: criteria provided, single submitter. Criteria: Ambry Variant Classification Scheme 2023. Collection method: clinical testing. Allele origin: germline.
Comment: The p.I147T variant (also known as c.440T>C), located in coding exon 1 of the SAMD9 gene, results from a T to C substitution at nucleotide position 440. The isoleucine at codon 147 is replaced by threonine, an amino acid with similar properties. This amino acid position is conserved. In addition, this alteration is predicted to be tolerated by in silico analysis. Based on the available evidence, the clinical significance of this variant remains unclear.

NM_017654.4(SAMD9):c.440T>C (p.Ile147Thr)

Gene: SAMD9 (sterile alpha motif domain containing 9; minus strand). Cytogenetic location: 7q21.2.
Variant type: single nucleotide variant.
Coding change: c.440T>C on transcript NM_017654.4 (MANE Select); coding-DNA position 440, T replaced by C.
Protein change: p.Ile147Thr; replaces isoleucine 147 with threonine.
Molecular consequence: missense variant.
Genome position (GRCh38, 1-based): chr7:93,105,658, A>G on the plus strand (T>C on the coding strand, the complement: SAMD9 is on the minus strand). VCF-style: chr7-93105658-A-G. GRCh37 (hg19) VCF-style: chr7-92734971-A-G.
Other names: c.440T>C, p.Ile147Thr (NM_001193307.2); short protein forms I147T.
Identifiers: ClinVar variation 3949557 (VCV003949557.1).